The following is an entry in ClinVar:

NM_032578.4(MYPN):c.1724A>G (p.Lys575Arg)

Gene: MYPN (myopalladin; plus strand). Cytogenetic location: 10q21.3.
Variant type: single nucleotide variant.
Coding change: c.1724A>G on transcript NM_032578.4 (MANE Select); coding-DNA position 1724, A replaced by G.
Protein change: p.Lys575Arg; replaces lysine 575 with arginine.
Molecular consequence: missense variant. On other transcripts: non-coding transcript variant (2).
Genome position (GRCh38, 1-based): chr10:68,166,417, A>G. VCF-style: chr10-68166417-A-G. GRCh37 (hg19) VCF-style: chr10-69926174-A-G.
Other names: c.1724A>G, p.Lys575Arg (NM_001256267.2); c.842A>G, p.Lys281Arg (NM_001256268.2); c.1724A>G (NM_032578.2); short protein forms K281R, K575R.
Identifiers: ClinVar variation 1058277 (VCV001058277.7), dbSNP rs1346961662, ClinGen allele CA376839916.

ClinVar aggregate classification (germline): Uncertain significance. Review status: criteria provided, multiple submitters, no conflicts (2 of 4 stars). 2 submissions from 2 submitters: Uncertain significance (2). Last evaluated 2022-12-16.

Conditions:
Cardiovascular phenotype. Identifiers: MedGen CN230736.
Dilated cardiomyopathy 1KK (CMD1KK). Identifiers: Orphanet 154, Orphanet 75249, MedGen C3714995, MONDO:0014100, OMIM 615248.

Allele frequency attached by ClinVar (database versions not stated): gnomAD exomes below 0.00001 and 0.00001; TOPMed 0.00001; gnomAD 0.00003.

Submissions (2):

Ambry Genetics
Classification: Uncertain significance for Cardiovascular phenotype. Last evaluated: 2022-12-16. Review status: criteria provided, single submitter. Criteria: Ambry Variant Classification Scheme 2023. Collection method: clinical testing. Allele origin: germline.
Comment: The p.K575R variant (also known as c.1724A>G), located in coding exon 9 of the MYPN gene, results from an A to G substitution at nucleotide position 1724. The lysine at codon 575 is replaced by arginine, an amino acid with highly similar properties. This amino acid position is conserved. In addition, this alteration is predicted to be tolerated by in silico analysis. Since supporting evidence is limited at this time, the clinical significance of this alteration remains unclear.

Labcorp Genetics (formerly Invitae), Labcorp
Classification: Uncertain significance for Dilated cardiomyopathy 1KK. Last evaluated: 2022-08-16. Review status: criteria provided, single submitter. Criteria: Invitae Variant Classification Sherloc (09022015). Collection method: clinical testing. Allele origin: germline.
Comment: This sequence change replaces lysine, which is basic and polar, with arginine, which is basic and polar, at codon 575 of the MYPN protein (p.Lys575Arg). This variant is present in population databases (no rsID available, gnomAD 0.0009%). This variant has not been reported in the literature in individuals affected with MYPN-related conditions. ClinVar contains an entry for this variant (Variation ID: 1058277). Algorithms developed to predict the effect of missense changes on protein structure and function output the following: SIFT: "Tolerated"; PolyPhen-2: "Benign"; Align-GVGD: "Class C0". The arginine amino acid residue is found in multiple mammalian species, which suggests that this missense change does not adversely affect protein function. Algorithms developed to predict the effect of sequence changes on RNA splicing suggest that this variant may create or strengthen a splice site. In summary, the available evidence is currently insufficient to determine the role of this variant in disease. Therefore, it has been classified as a Variant of Uncertain Significance.